The following is an entry in ClinVar:

ClinVar aggregate classification (germline): Likely benign. Review status: criteria provided, multiple submitters, no conflicts (2 of 4 stars). 2 submissions from 2 submitters: Likely benign (2). Last evaluated 2026-07-01.

Conditions:
Aortic aneurysm, familial thoracic 7 (AAT7). Also called: AORTIC DISSECTION, FAMILIAL, WITH OR WITHOUT AORTIC ANEURYSM. Identifiers: MedGen C3151077, MONDO:0013418, OMIM 613780.

Allele frequency attached by ClinVar (database versions not stated): gnomAD exomes 0.00002 and 0.00004; ExAC 0.00004.
gnomAD v4.1: 10 of 1,614,016 alleles (0.00062%); highest among the groups gnomAD compares: Admixed American, 0.017%; no homozygotes.

Submissions (2):

CeGaT Center for Human Genetics Tuebingen
Classification: Likely benign. Last evaluated: 2026-07-01. Review status: criteria provided, single submitter. Criteria: CeGaT Center For Human Genetics Tuebingen Variant Classification Criteria Version 2. Collection method: clinical testing. Allele origin: germline. Affected: yes. Observed: 1 variant allele.
Comment: MYLK: BP4

Labcorp Genetics (formerly Invitae), Labcorp
Classification: Likely benign for Aortic aneurysm, familial thoracic 7. Last evaluated: 2024-02-24. Review status: criteria provided, single submitter. Criteria: Invitae Variant Classification Sherloc (09022015). Collection method: clinical testing. Allele origin: germline.

NM_053025.4(MYLK):c.5369-8T>A

Genes: MYLK-AS1 (MYLK antisense RNA 1; plus strand), MYLK (myosin light chain kinase; minus strand). Cytogenetic location: 3q21.1.
Variant type: single nucleotide variant.
Coding change: c.5369-8T>A on transcript NM_053025.4 (MANE Select); 8 bases into the intron before coding-DNA position 5369, T replaced by A.
Molecular consequence: intron variant.
Genome position (GRCh38, 1-based): chr3:123,618,778, A>T on the plus strand (T>A on the coding strand, the complement: MYLK is on the minus strand). VCF-style: chr3-123618778-A-T. GRCh37 (hg19) VCF-style: chr3-123337625-A-T.
Other names: c.4841-8T>A (NM_001321309.2); c.5009-8T>A (NM_053028.4); c.5162-8T>A (NM_053026.4); c.5216-8T>A (NM_053027.4); c.89-11T>A (NM_053031.4); c.89-8T>A (NM_053032.4).
Identifiers: ClinVar variation 1004640 (VCV001004640.9), dbSNP rs780420537, ClinGen allele CA072894.
Genomic context (GRCh38, chr3:123,618,778, plus strand): 5'-TACATGAGGCTTTTCCTCAGCAACAGCCTCAAGGAAAGCTTGGGACACATCTTCTAGAAG[A>T]CAGAGAAGAAGACCAGGTCATTTCTTCACTCGTTGTTCTCGCCTCGCCTCTAGCTTAAAG-3'